The following is an entry in ClinVar:

NC_000009.12:g.(?_6604568)_(6645519_?)del

Gene: GLDC (glycine decarboxylase; minus strand). Cytogenetic location: 9p24.1.
Variant type: Deletion.
Identifiers: ClinVar variation 830920 (VCV000830920.1).

ClinVar aggregate classification (germline): Pathogenic (1 of 4 stars; one submission).

Conditions:
Glycine encephalopathy. Also called: Nonketotic hyperglycinemia; Non-ketotic hyperglycinemia. Identifiers: Orphanet 407, MedGen C0751748, MONDO:0011612, HP:0008288.

Submission:

Labcorp Genetics (formerly Invitae), Labcorp
Classification: Pathogenic for Non-ketotic hyperglycinemia. Last evaluated: 2019-11-18. Review status: criteria provided, single submitter. Criteria: Invitae Variant Classification Sherloc (09022015). Collection method: clinical testing. Allele origin: germline.
Comment: This variant is a gross deletion of the genomic region encompassing exons 1-7 of the GLDC gene, which includes the initiator codon. The 5' end of this event is unknown as it extends beyond the assayed region for this gene and therefore may encompass additional genes. The 3' boundary is likely confined to intron 7 of the GLDC gene. This is expected to result in an absent or disrupted protein product. This variant has not been reported in the literature in individuals with GLDC-related conditions. Loss-of-function variants in GLDC are known to be pathogenic (PMID: 16601880). For these reasons, this variant has been classified as Pathogenic.